The following is an entry in ClinVar:

ClinVar aggregate classification (germline): Conflicting classifications of pathogenicity. Review status: criteria provided, conflicting classifications (1 of 4 stars). 11 submissions from 11 submitters: Likely pathogenic (1); Uncertain significance (9). 1 of the submissions does not count toward it. Last evaluated 2026-09-08.

Conditions:
Cardiovascular phenotype. Identifiers: MedGen CN230736.
Fabry disease. Also called: Fabry's disease; ALPHA-GALACTOSIDASE A DEFICIENCY; GLA DEFICIENCY; HEREDITARY DYSTOPIC LIPIDOSIS; Angiokeratoma corporis diffusum; Ceramide trihexosidosis. Identifiers: Orphanet 324, MedGen C0002986, MONDO:0010526, OMIM 301500, HP:0001071. Disease mechanism: loss of function, Fabry disease is due to inactivating mutations in the X-linked GLA gene resulting in deficiency of the enzyme Alpha Galactosidase-A..

Allele frequency attached by ClinVar (database versions not stated): gnomAD exomes below 0.00001 and 0.00002; ExAC 0.00001; gnomAD 0.00001.
gnomAD v4.1: 4 of 1,192,456 alleles (0.00034%); highest among the groups gnomAD compares: African/African-American, 0.0018%; no homozygotes.

Submissions (11):

Genomenon, Inc
Classification: Uncertain significance for Fabry disease. Last evaluated: 2026-09-08. Review status: criteria provided, single submitter. Criteria: Genomenon Sequence Variant Interpretation Standards - Updated. Collection method: curation. Allele origin: germline. Affected: yes.
Comment: GLA p.Val199Ala (c.596T>C) is a missense variant that changes the amino acid at codon 199 from Valine to Alanine. This variant has been observed in at least one proband with clinical features consistent with Fabry disease (PMID:38002959). Functional or patient cell studies have been reported (PMID:27560961). It is absent or not present at a significant frequency in gnomAD. In silico models predict that this variant is possibly or probably damaging. In conclusion, we classify GLA p.Val199Ala (c.596T>C) as a variant of uncertain significance.

GeneDx
Classification: Uncertain significance. Last evaluated: 2026-08-05. Review status: criteria provided, single submitter. Criteria: GeneDx Variant Classification Process June 2021. Collection method: clinical testing. Allele origin: germline.
Comment: Identified in an individual with corneal opacities and a family history of Fabry disease (PMID: 27560961); the enzyme activity in this patient was reported to be reduced; In silico analysis supports that this missense variant has a deleterious effect on protein structure/function; This variant is associated with the following publications: (PMID: 27560961, 38002959)

Labcorp Genetics (formerly Invitae), Labcorp
Classification: Likely pathogenic for Fabry disease. Last evaluated: 2026-02-04. Review status: criteria provided, single submitter. Criteria: Invitae Variant Classification Sherloc (09022015). Collection method: clinical testing. Allele origin: germline.
Comment: This sequence change replaces valine, which is neutral and non-polar, with alanine, which is neutral and non-polar, at codon 199 of the GLA protein (p.Val199Ala). This variant is present in population databases (rs781871113, gnomAD 0.004%). This missense change has been observed in individual(s) with clinical features of Fabry disease (PMID: 27560961, 38002959; external communication). ClinVar contains an entry for this variant (Variation ID: 246587). Invitae Evidence Modeling of protein sequence and biophysical properties (such as structural, functional, and spatial information, amino acid conservation, physicochemical variation, residue mobility, and thermodynamic stability) indicates that this missense variant is not expected to disrupt GLA protein function with a negative predictive value of 80%. This variant disrupts the p.Val199 amino acid residue in GLA. Other variant(s) that disrupt this residue have been observed in individuals with GLA-related conditions (PMID: 12175777), which suggests that this may be a clinically significant amino acid residue. In summary, the currently available evidence indicates that the variant is pathogenic, but additional data are needed to prove that conclusively. Therefore, this variant has been classified as Likely Pathogenic.

Ambry Genetics
Classification: Uncertain significance for Cardiovascular phenotype. Last evaluated: 2025-05-03. Review status: criteria provided, single submitter. Criteria: Ambry Variant Classification Scheme 2023. Collection method: clinical testing. Allele origin: germline.
Comment: The p.V199A variant (also known as c.596T>C), located in coding exon 4 of the GLA gene, results from a T to C substitution at nucleotide position 596. The valine at codon 199 is replaced by alanine, an amino acid with similar properties. This variant was reported in individual(s) with some features that may be consistent with Fabry disease (Pan X et al. PLoS One, 2016 Aug;11:e0161330; Rekov&aacute; P et al. J Clin Med, 2021 Aug;10; Savostyanov K et al. Genes (Basel), 2023 Oct;14). This amino acid position is well conserved in available vertebrate species. In addition, this alteration is predicted to be deleterious by in silico analysis. Based on data from gnomAD, the C allele has an overall frequency of 0.0016% (3/181826) total alleles studied, with 1 hemizygote(s) observed. The highest observed frequency was 0.0037% (3/81139) of European (non-Finnish) alleles. Based on the available evidence, the clinical significance of this variant remains unclear.

Color Diagnostics, LLC DBA Color Health
Classification: Uncertain significance for Fabry disease. Last evaluated: 2024-11-25. Review status: criteria provided, single submitter. Criteria: ACMG Guidelines, 2015. Collection method: clinical testing. Allele origin: germline.
Comment: This missense variant replaces valine with alanine at codon 199 of the GLA protein. Computational prediction suggests that this variant may have a deleterious impact on protein structure and function. To our knowledge, functional studies have not been reported for this variant. This variant has been reported in individuals affected with features of Fabry disease (PMID: 27560961, 38002959) and in an individual affected with stroke (PMID: 34905550). This variant has been identified in 3/181826 chromosomes in the general population by the Genome Aggregation Database (gnomAD). The available evidence is insufficient to determine the role of this variant in disease conclusively. Therefore, this variant is classified as a Variant of Uncertain Significance.

Revvity Omics, Revvity
Classification: Uncertain significance. Last evaluated: 2024-02-29. Review status: criteria provided, single submitter. Criteria: ACMG Guidelines, 2015. Collection method: clinical testing. Allele origin: germline.

All of Us Research Program, National Institutes of Health
Classification: Uncertain significance for Fabry disease. Last evaluated: 2023-12-13. Review status: criteria provided, single submitter. Criteria: ACMG Guidelines, 2015. Collection method: clinical testing. Allele origin: germline. Inheritance: X-linked inheritance. Observed: 2 variant alleles, 1 heterozygote, 1 homozygote.
Comment: This missense variant replaces valine with alanine at codon 199 of the GLA protein. Computational prediction suggests that this variant may have deleterious impact on protein structure and function (internally defined REVEL score threshold >= 0.7, PMID: 27666373). To our knowledge, functional studies have not been reported for this variant. This variant has not been reported in individuals affected with cardiovascular disorders in the literature. This variant has been identified in 3/181826 chromosomes in the general population by the Genome Aggregation Database (gnomAD). The available evidence is insufficient to determine the role of this variant in disease conclusively. Therefore, this variant is classified as a Variant of Uncertain Significance.

This study involves interpretation of variants in research participants for the purpose of population health screening. Participant phenotype was not available at the time of variant classification. Additional details can be found in publication PMID: 35346344, PMCID: PMC8962531

Genome-Nilou Lab
Classification: Uncertain significance for Fabry disease. Last evaluated: 2021-07-15. Review status: criteria provided, single submitter. Criteria: ACMG Guidelines, 2015. Collection method: clinical testing. Allele origin: germline. Affected: no.

Broad Center for Mendelian Genomics, Broad Institute of MIT and Harvard
Classification: Uncertain significance for Fabry disease. Last evaluated: 2020-01-22. Review status: criteria provided, single submitter. Criteria: ACMG Guidelines, 2015. Collection method: curation. Allele origin: germline. Inheritance: X-linked inheritance.
Comment: Although this variant has been seen in the general population, its frequency is low enough to be consistent with a dominant frequency for a disease with clinical variability/reduced penetrance. Please note that for diseases with clinical variability, or reduced penetrance, pathogenic variants may be present at a low frequency in the general population. This variant has also been reported in ClinVar as a VUS by GeneDx and EGL Genetic Diagnostics (Variation ID: 246587). Computational prediction tools and conservation analyses suggest that this variant may impact the protein, though this information is not predictive enough to determine pathogenicity. In summary, the clinical significance of the p.Val199Ala is uncertain. ACMG/AMP Criteria applied: PP3, BP5, PM2_supporting (Richards 2015).

X-linked inheritance (primarily recessive with milder female expression)

Eurofins Ntd Llc (ga)
Classification: Uncertain significance. Last evaluated: 2015-06-30. Review status: criteria provided, single submitter. Criteria: EGL Classification Definitions 2015. Collection method: clinical testing. Allele origin: germline. Observed: 4 variant alleles, 3 heterozygotes, 1 hemizygote.

Natera, Inc.
Classification: Uncertain significance for Fabry disease. Last evaluated: 2021-10-18. Review status: no assertion criteria provided. Collection method: clinical testing. Allele origin: germline. Not counted in ClinVar's aggregate classification.

Literature cited by the submitters: PubMed 38002959 (cited by 4 submitters); PubMed 27560961 (cited by 4 submitters); PubMed 12175777 (cited by Labcorp Genetics (formerly Invitae), Labcorp); PubMed 34441839 (cited by Ambry Genetics); PubMed 34905550 (cited by Ambry Genetics and Color Diagnostics, LLC DBA Color Health).

NM_000169.3(GLA):c.596T>C (p.Val199Ala)

Genes: RPL36A-HNRNPH2 (RPL36A-HNRNPH2 readthrough; plus strand), GLA (galactosidase alpha; minus strand). Cytogenetic location: Xq22.1.
Variant type: single nucleotide variant.
Coding change: c.596T>C on transcript NM_000169.3 (MANE Select); coding-DNA position 596, T replaced by C.
Protein change: p.Val199Ala; replaces valine 199 with alanine.
Molecular consequence: missense variant. On other transcripts: non-coding transcript variant (2), intron variant (2).
Genome position (GRCh38, 1-based): chrX:101,400,709, A>G on the plus strand (T>C on the coding strand, the complement: GLA is on the minus strand). VCF-style: chrX-101400709-A-G. GRCh37 (hg19) VCF-style: chrX-100655697-A-G.
Other names: c.719T>C, p.Val240Ala (NM_001406747.1); c.596T>C, p.Val199Ala (NM_001406748.1); c.300+5252A>G (NM_001199973.2); c.177+8887A>G (NM_001199974.2); c.596T>C (NM_000169.2); short protein forms V199A, V240A.
Identifiers: ClinVar variation 246587 (VCV000246587.29), dbSNP rs781871113, ClinGen allele CA031465.
Genomic context (GRCh38, chrX:101,400,709, plus strand): 5'-TGGGCTCACTATCTCACCTTTTGAAAGGGCCACATATAAAGAGGCCACTCACAGGAGTAC[A>G]CAATGCTTCTGCCAGTCCTATTCAGGGCCAAGGACATGTGCTTATAACCTGTATGAGAAA-3'
Protein context (NP_000160.1, residues 189-209): LALNRTGRSI[Val199Ala]YSCEWPLYMW